The following is an entry in ClinVar:

ClinVar aggregate classification (germline): Conflicting classifications of pathogenicity. Review status: criteria provided, conflicting classifications (1 of 4 stars). 4 submissions from 4 submitters: Uncertain significance (3); Likely benign (1). Last evaluated 2025-11-18.

Conditions:
Inborn genetic diseases. Identifiers: MedGen C0950123, MeSH D030342.
Fanconi anemia (FA). Also called: Fanconi's anemia. Identifiers: Orphanet 84, MedGen C0015625, MeSH D005199, MONDO:0019391.
Fanconi anemia complementation group A (FANCA). Also called: Fanconi anemia, group A; FANCA-Related Fanconi Anemia. Identifiers: Orphanet 84, MedGen C3469521, MONDO:0009215, OMIM 227650.

Allele frequency attached by ClinVar (database versions not stated): TOPMed below 0.00001; gnomAD exomes 0.00001 and 0.00003; ExAC 0.00002.
gnomAD v4.1: 7 of 1,614,132 alleles (0.00043%); highest among the groups gnomAD compares: Admixed American, 0.012%; no homozygotes.

Submissions (4):

Labcorp Genetics (formerly Invitae), Labcorp
Classification: Likely benign for Fanconi anemia. Last evaluated: 2025-11-18. Review status: criteria provided, single submitter. Criteria: Invitae Variant Classification Sherloc (09022015). Collection method: clinical testing. Allele origin: germline.

Ambry Genetics
Classification: Uncertain significance for Inborn genetic diseases. Last evaluated: 2024-11-25. Review status: criteria provided, single submitter. Criteria: Ambry Variant Classification Scheme 2023. Collection method: clinical testing. Allele origin: germline.
Comment: The p.E1344G variant (also known as c.4031A>G), located in coding exon 41 of the FANCA gene, results from an A to G substitution at nucleotide position 4031. The glutamic acid at codon 1344 is replaced by glycine, an amino acid with similar properties. This amino acid position is conserved. In addition, this alteration is predicted to be tolerated by in silico analysis. Based on the available evidence, the clinical significance of this variant remains unclear.

Fulgent Genetics
Classification: Uncertain significance for Fanconi anemia complementation group A. Last evaluated: 2024-02-16. Review status: criteria provided, single submitter. Criteria: ACMG Guidelines, 2015. Collection method: clinical testing. Allele origin: germline.

Quest Diagnostics Nichols Institute San Juan Capistrano
Classification: Uncertain significance. Last evaluated: 2023-04-14. Review status: criteria provided, single submitter. Criteria: Quest Diagnostics criteria. Collection method: clinical testing. Allele origin: unknown.
Comment: To the best of our knowledge, the variant has not been reported in the published literature. The frequency of this variant in the general population, 0.00023 (8/34586 chromosomes), is uninformative in assessment of its pathogenicity. Analysis of this variant using bioinformatics tools for the prediction of the effect of amino acid changes on protein structure and function yielded predictions that this variant is benign. Based on the available information, we are unable to determine the clinical significance of this variant.

NM_000135.4(FANCA):c.4031A>G (p.Glu1344Gly)

Genes: FANCA (FA complementation group A; minus strand), ZNF276 (zinc finger protein 276; plus strand). Cytogenetic location: 16q24.3.
Variant type: single nucleotide variant.
Coding change: c.4031A>G on transcript NM_000135.4 (MANE Select); coding-DNA position 4031, A replaced by G.
Protein change: p.Glu1344Gly; replaces glutamic acid 1344 with glycine.
Molecular consequence: missense variant. On other transcripts: 3 prime UTR variant (2), non-coding transcript variant (4).
Genome position (GRCh38, 1-based): chr16:89,739,269, T>C on the plus strand (A>G on the coding strand, the complement: FANCA is on the minus strand). VCF-style: chr16-89739269-T-C. GRCh37 (hg19) VCF-style: chr16-89805677-T-C.
Other names: c.4031A>G, p.Glu1344Gly (NM_001286167.3); c.*1023T>C (NM_001113525.2, NM_152287.4); short protein forms E1344G.
Identifiers: ClinVar variation 1489838 (VCV001489838.9), dbSNP rs778544563, ClinGen allele CA8250807.
Genomic context (GRCh38, chr16:89,739,269, plus strand): 5'-AGCTTCAAGTACATGTCCACAGCAACATGCAGGAAGGCCTCTTCCCTGATGGCCGCGTCT[T>C]CATGGAAGTAGGAGAGAAGACTAGAGGTAAAGACATAGTGACAAATGGCTACAGACTGCT-3'
Protein context (NP_000126.2, residues 1334-1354): AFYSLLSYFH[Glu1344Gly]DAAIREEAFL